The following is an entry in ClinVar:

ClinVar aggregate classification (germline): Uncertain significance (1 of 4 stars; one submission).

Conditions:
Breast-ovarian cancer, familial, susceptibility to, 4. Identifiers: Orphanet 145, MedGen C3280345, MONDO:0013669, OMIM 614291.

Allele frequency attached by ClinVar (database versions not stated): gnomAD exomes below 0.00001.
gnomAD v4.1: 3 of 1,614,028 alleles (0.00019%); highest among the groups gnomAD compares: Non-Finnish European, 0.00025%; no homozygotes.

Submission:

Labcorp Genetics (formerly Invitae), Labcorp
Classification: Uncertain significance for Breast-ovarian cancer, familial, susceptibility to, 4. Last evaluated: 2023-06-02. Review status: criteria provided, single submitter. Criteria: Invitae Variant Classification Sherloc (09022015). Collection method: clinical testing. Allele origin: germline.
Comment: In summary, the available evidence is currently insufficient to determine the role of this variant in disease. Therefore, it has been classified as a Variant of Uncertain Significance. Advanced modeling of protein sequence and biophysical properties (such as structural, functional, and spatial information, amino acid conservation, physicochemical variation, residue mobility, and thermodynamic stability) performed at Invitae indicates that this missense variant is expected to disrupt RAD51D protein function. ClinVar contains an entry for this variant (Variation ID: 539861). This variant has not been reported in the literature in individuals affected with RAD51D-related conditions. This variant is not present in population databases (gnomAD no frequency). This sequence change replaces valine, which is neutral and non-polar, with aspartic acid, which is acidic and polar, at codon 132 of the RAD51D protein (p.Val132Asp).

NM_002878.4(RAD51D):c.395T>A (p.Val132Asp)

Genes: RAD51L3-RFFL (RAD51L3-RFFL readthrough; minus strand), RAD51D (RAD51 paralog D; minus strand). Cytogenetic location: 17q12.
Variant type: single nucleotide variant.
Coding change: c.395T>A on transcript NM_002878.4 (MANE Select); coding-DNA position 395, T replaced by A.
Protein change: p.Val132Asp; replaces valine 132 with aspartic acid.
Molecular consequence: missense variant. On other transcripts: non-coding transcript variant (1), intron variant (1).
Genome position (GRCh38, 1-based): chr17:35,107,073, A>T on the plus strand (T>A on the coding strand, the complement: RAD51D is on the minus strand). VCF-style: chr17-35107073-A-T. GRCh37 (hg19) VCF-style: chr17-33434092-A-T.
Other names: c.455T>A, p.Val152Asp (NM_001142571.2); c.145-592T>A (NM_133629.3); short protein forms V132D, V152D.
Identifiers: ClinVar variation 539861 (VCV000539861.6), dbSNP rs1555568342, ClinGen allele CA399089309.